The following is an entry in ClinVar:

ClinVar aggregate classification (germline): Likely pathogenic (1 of 4 stars; one submission).

Conditions:
Carnitine palmitoyltransferase II deficiency. Also called: Carnitine Palmitoyltransferase 2 Deficiency. Identifiers: Orphanet 157, MedGen C0342790, MONDO:0015515.

Submission:

Natera, Inc.
Classification: Likely pathogenic for Carnitine palmitoyltransferase II deficiency. Last evaluated: 2025-02-04. Review status: criteria provided, single submitter. Criteria: Natera Variant Classification Schema (03/2026). Collection method: clinical testing. Allele origin: germline.
Comment: The c.755del variant in CPT2 is a frameshift variant predicted to shift the reading frame beginning at codon 252 and leads to a stop codon 13 codons downstream. This variant is expected to result in nonsense mediated decay, truncation, or a dysfunctional protein product. This variant is rare in the general population with a frequency below the threshold expected for the associated phenotype(s). Given the available evidence, this variant is classified as Likely Pathogenic.

NM_000098.3(CPT2):c.755del (p.Tyr252fs)

Gene: CPT2 (carnitine palmitoyltransferase 2; plus strand). Cytogenetic location: 1p32.3.
Variant type: Deletion.
Coding change: c.755del on transcript NM_000098.3 (MANE Select); coding-DNA position 755, one base deleted (A; older notation c.755delA).
Protein change: p.Tyr252fs; shifts the reading frame from tyrosine 252.
Molecular consequence: frameshift variant.
Genome position (GRCh38, 1-based): chr1:53,210,429, A deleted. VCF-style (leftmost placement, unchanged base first): chr1-53210428-TA-T. GRCh37 (hg19) VCF-style: chr1-53676100-TA-T.
Other names: c.755del, p.Tyr252fs (NM_001330589.2); short protein forms Y252fs.
Identifiers: ClinVar variation 4065449 (VCV004065449.2).
Genomic context (GRCh38, chr1:53,210,428, plus strand): 5'-GATGAACTCTTCACTGATGACAAGGCCAGACACCTCCTGGTCCTAAGGAAAGGAAATTTT[TA>T]TATCTTTGATGTCCTGGATCAAGATGGGAACATTGTGAGCCCCTCGGAAATCCAGGCACA-3'